The following is an entry in ClinVar:

ClinVar aggregate classification (germline): Likely benign (1 of 4 stars; one submission).

Allele frequency attached by ClinVar (database versions not stated): gnomAD exomes 0.00001.
gnomAD v4.1: 7 of 1,523,084 alleles (0.00046%); highest among the groups gnomAD compares: South Asian, 0.0084%; no homozygotes.

Submission:

GeneDx
Classification: Likely benign. Last evaluated: 2018-01-31. Review status: criteria provided, single submitter. Criteria: GeneDx Variant Classification (06012015). Collection method: clinical testing. Allele origin: germline. Affected: yes.
Comment: This variant is considered likely benign or benign based on one or more of the following criteria: it is a conservative change, it occurs at a poorly conserved position in the protein, it is predicted to be benign by multiple in silico algorithms, and/or has population frequency not consistent with disease.

NM_018129.4(PNPO):c.-17G>A

Gene: PNPO (pyridoxamine 5'-phosphate oxidase; plus strand). Cytogenetic location: 17q21.32.
Variant type: single nucleotide variant.
Coding change: c.-17G>A on transcript NM_018129.4 (MANE Select); 17 bases upstream of the start codon, G replaced by A.
Molecular consequence: 5 prime UTR variant.
Genome position (GRCh38, 1-based): chr17:47,941,659, G>A. VCF-style: chr17-47941659-G-A. GRCh37 (hg19) VCF-style: chr17-46019025-G-A.
Identifiers: ClinVar variation 515140 (VCV000515140.1), dbSNP rs769282563, ClinGen allele CA626405891.